The following is an entry in ClinVar:

ClinVar aggregate classification (germline): Uncertain significance. Review status: criteria provided, single submitter (1 of 4 stars). 2 submissions from 2 submitters: Uncertain significance (1). 1 of the submissions does not count toward it. Last evaluated 2022-09-13.

Conditions:
Neuromuscular disease caused by qualitative or quantitative defects of dysferlin. Also called: Qualitative or quantitative defects of dysferlin; Dysferlinopathy. Identifiers: Orphanet 207073, MedGen C2931687, MONDO:0016145.
Autosomal recessive limb-girdle muscular dystrophy type 2B (LGMDR2). Also called: Limb-girdle muscular dystrophy, type 2B; MUSCULAR DYSTROPHY, LIMB-GIRDLE, AUTOSOMAL RECESSIVE 2; MUSCULAR DYSTROPHY, LIMB-GIRDLE, TYPE 3; Limb-Girdle Muscular Dystrophy Type 2B (LGMD2B). Identifiers: Orphanet 268, MedGen C1850889, MONDO:0009676, OMIM 253601.

Allele frequency attached by ClinVar (database versions not stated): gnomAD 0.00005 and 0.00006; TOPMed 0.00005; ESP Exome Variant Server 0.00015.
gnomAD v4.1: 33 of 1,613,998 alleles (0.002%); highest among the groups gnomAD compares: African/African-American, 0.0093%; no homozygotes.

Submissions (2):

Labcorp Genetics (formerly Invitae), Labcorp
Classification: Uncertain significance for Neuromuscular disease caused by qualitative or quantitative defects of dysferlin. Last evaluated: 2022-09-13. Review status: criteria provided, single submitter. Criteria: Invitae Variant Classification Sherloc (09022015). Collection method: clinical testing. Allele origin: germline.
Comment: This sequence change replaces arginine, which is basic and polar, with cysteine, which is neutral and slightly polar, at codon 1096 of the DYSF protein (p.Arg1096Cys). This variant is present in population databases (rs148171293, gnomAD 0.006%). This variant has not been reported in the literature in individuals affected with DYSF-related conditions. Advanced modeling of protein sequence and biophysical properties (such as structural, functional, and spatial information, amino acid conservation, physicochemical variation, residue mobility, and thermodynamic stability) performed at Invitae indicates that this missense variant is not expected to disrupt DYSF protein function. In summary, the available evidence is currently insufficient to determine the role of this variant in disease. Therefore, it has been classified as a Variant of Uncertain Significance.

Natera, Inc.
Classification: Uncertain significance for Limb-girdle muscular dystrophy type 2B. Last evaluated: 2020-06-07. Review status: no assertion criteria provided. Collection method: clinical testing. Allele origin: germline. Not counted in ClinVar's aggregate classification.

NM_001130987.2(DYSF):c.3340C>T (p.Arg1114Cys)

Gene: DYSF (dysferlin; plus strand). Cytogenetic location: 2p13.2.
Variant type: single nucleotide variant.
Coding change: c.3340C>T on transcript NM_001130987.2 (MANE Select); coding-DNA position 3340, C replaced by T.
Protein change: p.Arg1114Cys; replaces arginine 1114 with cysteine.
Molecular consequence: missense variant.
Genome position (GRCh38, 1-based): chr2:71,574,309, C>T. VCF-style: chr2-71574309-C-T. GRCh37 (hg19) VCF-style: chr2-71801439-C-T.
Other names: c.3289C>T, p.Arg1097Cys (NM_001130455.2, NM_001130983.2); c.3244C>T, p.Arg1082Cys (NM_001130976.2, NM_001130977.2); c.3286C>T, p.Arg1096Cys (NM_001130978.2, NM_003494.4); c.3379C>T, p.Arg1127Cys (NM_001130979.2); c.3337C>T, p.Arg1113Cys (NM_001130980.2, NM_001130981.2); c.3382C>T, p.Arg1128Cys (NM_001130982.2); c.3247C>T, p.Arg1083Cys (NM_001130984.2, NM_001130986.2); c.3340C>T, p.Arg1114Cys (NM_001130985.2); short protein forms R1082C, R1083C, R1096C, R1097C, R1113C, R1114C, R1127C, R1128C.
Identifiers: ClinVar variation 1002648 (VCV001002648.3), dbSNP rs148171293, ClinGen allele CA1706527.